The following is an entry in ClinVar:

ClinVar aggregate classification (germline): Benign/Likely benign. Review status: criteria provided, multiple submitters, no conflicts (2 of 4 stars). 4 submissions from 4 submitters: Benign (1); Likely benign (2). 1 of the submissions does not count toward it. Last evaluated 2026-01-17.

Conditions:
MGME1-related disorder. Also called: MGME1-related condition.

Allele frequency attached by ClinVar (database versions not stated): gnomAD exomes 0.00010 and 0.00025; ExAC 0.00031; ESP Exome Variant Server 0.00077; gnomAD 0.00094 and 0.00097; TOPMed 0.00122; 1000 Genomes Project 0.00160; 1000 Genomes Project 30x 0.00172.
gnomAD v4.1: 298 of 1,613,784 alleles (0.018%); highest among the groups gnomAD compares: African/African-American, 0.36%; 1 homozygote.

Submissions (5):

Labcorp Genetics (formerly Invitae), Labcorp
Classification: Benign. Last evaluated: 2026-01-17. Review status: criteria provided, single submitter. Criteria: Invitae Variant Classification Sherloc (09022015). Collection method: clinical testing. Allele origin: germline.

Mayo Clinic Laboratories, Mayo Clinic
Classification: Likely benign. Last evaluated: 2025-02-04. Review status: criteria provided, single submitter. Criteria: ACMG Guidelines, 2015. Collection method: clinical testing. Allele origin: germline. Observed: 2 variant alleles.
Comment: BS1, BP4, BP7

GeneDx
Classification: Likely benign. Last evaluated: 2021-02-19. Review status: criteria provided, single submitter. Criteria: GeneDx Variant Classification Process June 2021. Collection method: clinical testing. Allele origin: germline. Affected: yes.

PreventionGenetics, part of Exact Sciences
Classification: Likely benign for MGME1-related condition. Last evaluated: 2024-06-28. Review status: no assertion criteria provided. Collection method: clinical testing. Allele origin: germline. Not counted in ClinVar's aggregate classification.
Comment: This variant is classified as likely benign based on ACMG/AMP sequence variant interpretation guidelines (Richards et al. 2015 PMID: 25741868, with internal and published modifications).

Dr. Peter K. Rogan Lab, Western University
No classification provided (evidence only). Condition: Uterine carcinosarcoma. Review status: no classification provided. Collection method: in vitro. Allele origin: not applicable. Functional consequence: retained intron. Not counted in ClinVar's aggregate classification.

NM_052865.4(MGME1):c.870A>G (p.Gln290=)

Gene: MGME1 (mitochondrial genome maintenance exonuclease 1; plus strand). Cytogenetic location: 20p11.23.
Variant type: single nucleotide variant.
Coding change: c.870A>G on transcript NM_052865.4 (MANE Select); coding-DNA position 870, A replaced by G.
Protein change: p.Gln290=; no amino-acid change (glutamine 290 retained).
Molecular consequence: synonymous variant. On other transcripts: missense variant (1).
Genome position (GRCh38, 1-based): chr20:17,989,944, A>G. VCF-style: chr20-17989944-A-G. GRCh37 (hg19) VCF-style: chr20-17970587-A-G.
Other names: p.Gln290=; c.915A>G, p.Gln305= (NM_001310338.2); c.517A>G, p.Met173Val (NM_001310339.2); c.630A>G, p.Gln210= (NM_001363738.2); c.517A>G (NM_001310339.1); short protein forms M173V.
Identifiers: ClinVar variation 511813 (VCV000511813.16), dbSNP rs61749088, ClinGen allele CA9775063.